The following is an entry in ClinVar:

NM_001999.4(FBN2):c.3222C>A (p.Ile1074=)

Gene: FBN2 (fibrillin 2; minus strand). Cytogenetic location: 5q23.3.
Variant type: single nucleotide variant.
Coding change: c.3222C>A on transcript NM_001999.4 (MANE Select); coding-DNA position 3222, C replaced by A.
Protein change: p.Ile1074=; no amino-acid change (isoleucine 1074 retained).
Molecular consequence: synonymous variant.
Genome position (GRCh38, 1-based): chr5:128,344,506, G>T on the plus strand (C>A on the coding strand, the complement: FBN2 is on the minus strand). VCF-style: chr5-128344506-G-T. GRCh37 (hg19) VCF-style: chr5-127680198-G-T.
Identifiers: ClinVar variation 680374 (VCV000680374.10), dbSNP rs1345516642, ClinGen allele CA446311311.

ClinVar aggregate classification (germline): Likely benign. Review status: criteria provided, multiple submitters, no conflicts (2 of 4 stars). 3 submissions from 3 submitters: Likely benign (3). Last evaluated 2026-01-10.

Conditions:
Congenital contractural arachnodactyly (CCA). Also called: BEALS SYNDROME; Beals-Hecht syndrome; Arthrogryposis, distal, type 9. Identifiers: Orphanet 115, MedGen C0220668, MONDO:0007363, OMIM 121050.
Familial thoracic aortic aneurysm and aortic dissection (TAAD). Also called: Thoracic aortic aneurysms and dissections. Identifiers: Orphanet 91387, MedGen C4707243, MONDO:0019625.

gnomAD v4.1: 5 of 1,613,558 alleles (0.00031%); highest among the groups gnomAD compares: East Asian, 0.0089%; no homozygotes.

Submissions (3):

Ambry Genetics
Classification: Likely benign for Familial thoracic aortic aneurysm and aortic dissection. Last evaluated: 2026-01-10. Review status: criteria provided, single submitter. Criteria: Ambry Variant Classification Scheme 2023. Collection method: clinical testing. Allele origin: germline.

Labcorp Genetics (formerly Invitae), Labcorp
Classification: Likely benign for Congenital contractural arachnodactyly. Last evaluated: 2025-10-14. Review status: criteria provided, single submitter. Criteria: Invitae Variant Classification Sherloc (09022015). Collection method: clinical testing. Allele origin: germline.

GeneDx
Classification: Likely benign. Last evaluated: 2018-03-14. Review status: criteria provided, single submitter. Criteria: GeneDx Variant Classification (06012015). Collection method: clinical testing. Allele origin: germline. Affected: yes.
Comment: This variant is considered likely benign or benign based on one or more of the following criteria: it is a conservative change, it occurs at a poorly conserved position in the protein, it is predicted to be benign by multiple in silico algorithms, and/or has population frequency not consistent with disease.